The following is an entry in ClinVar:

ClinVar aggregate classification (germline): Pathogenic/Likely pathogenic. Review status: criteria provided, multiple submitters, no conflicts (2 of 4 stars). 2 submissions from 2 submitters: Pathogenic (1); Likely pathogenic (1). Last evaluated 2025-05-10.

Conditions:
Spinocerebellar ataxia type 19/22 (SCA19). Also called: SPINOCEREBELLAR ATAXIA 19; SPINOCEREBELLAR ATAXIA 22. Identifiers: Orphanet 98772, MedGen C1846367, MONDO:0011819, OMIM 607346.

Submissions (2):

3billion
Classification: Likely pathogenic for Spinocerebellar ataxia type 19/22. Last evaluated: 2025-05-10. Review status: criteria provided, single submitter. Criteria: ACMG Guidelines, 2015. Collection method: clinical testing. Allele origin: germline. Affected: yes.
Comment: The variant is not observed in the gnomAD v4.1.0 dataset. Predicted Consequence/Location: Missense variant. Missense changes are a common disease-causing mechanism. Functional studies provide moderate evidence of the variant having a damaging effect on the gene or gene product (PMID: 31293010). In silico tool predictions suggest damaging effect of the variant on gene or gene product [REVEL: 0.95 (>=0.6, sensitivity 0.68 and specificity 0.92); 3Cnet: 0.99 (> 0.75, sensitivity 0.96 and precision 0.92)]. The same nucleotide change resulting in the same amino acid change has been previously reported to be associated with KCND3-related disorder (ClinVar ID: VCV000626318 /PMID: 31293010). Therefore, this variant is classified as Likely pathogenic according to the recommendation of ACMG/AMP guideline.

Taipei Veterans General Hospital, Neurological Institute
Classification: Pathogenic for Spinocerebellar ataxia type 19/22. Last evaluated: 2019-04-20. Review status: criteria provided, single submitter. Criteria: ACMG Guidelines, 2015. Collection method: clinical testing, in vitro. Allele origin: germline. Inheritance: Autosomal dominant inheritance. Affected: yes. Observed: 1 variant allele. Segregation with disease observed.
Comment: SCA19/22-associated mutation

dominant-negtaive effect on biosynthesis and biophysical properties of wild-type protein

Literature cited by the submitters: PubMed 31293010 (cited by 3billion).

NM_001378969.1(KCND3):c.1123C>T (p.Pro375Ser)

Gene: KCND3 (potassium voltage-gated channel subfamily D member 3; minus strand). Cytogenetic location: 1p13.2.
Variant type: single nucleotide variant.
Coding change: c.1123C>T on transcript NM_001378969.1 (MANE Select); coding-DNA position 1123, C replaced by T.
Protein change: p.Pro375Ser; replaces proline 375 with serine.
Molecular consequence: missense variant.
Genome position (GRCh38, 1-based): chr1:111,787,090, G>A on the plus strand (C>T on the coding strand, the complement: KCND3 is on the minus strand). VCF-style: chr1-111787090-G-A. GRCh37 (hg19) VCF-style: chr1-112329712-G-A.
Other names: c.1123C>T, p.Pro375Ser (NM_001378970.1, NM_004980.5, NM_172198.3); short protein forms P375S.
Identifiers: ClinVar variation 626318 (VCV000626318.3), dbSNP rs1571636508, ClinGen allele CA341660982.
Genomic context (GRCh38, chr1:111,787,090, plus strand): 5'-TGACCAGGACGCCACTCAAGGAGCAGATGGAGCCGAAGATCTTCCCTGCAATCGTCTTAG[G>A]CACCATGTCTCCGTATCTGAGAGAGGGAGAGAAACAGGGTGTAAGGGAGAGAGGGCCATT-3'
Protein context (NP_001365898.1, residues 365-385): MTTLGYGDMV[Pro375Ser]KTIAGKIFGS